The following is an entry in ClinVar:

NM_005228.5(EGFR):c.347C>T (p.Ser116Phe)

Gene: EGFR (epidermal growth factor receptor; plus strand). Cytogenetic location: 7p11.2.
Variant type: single nucleotide variant.
Coding change: c.347C>T on transcript NM_005228.5 (MANE Select); coding-DNA position 347, C replaced by T.
Protein change: p.Ser116Phe; replaces serine 116 with phenylalanine.
Molecular consequence: missense variant. On other transcripts: intron variant (1).
Genome position (GRCh38, 1-based): chr7:55,143,411, C>T. VCF-style: chr7-55143411-C-T. GRCh37 (hg19) VCF-style: chr7-55211104-C-T.
Other names: c.347C>T, p.Ser116Phe (NM_001346897.2, NM_001346898.2, NM_001346899.2 and 3 more transcripts); c.188C>T, p.Ser63Phe (NM_001346900.2); c.89-12419C>T (NM_001346941.2); short protein forms S116F, S63F.
Identifiers: ClinVar variation 3843749 (VCV003843749.1).

ClinVar aggregate classification (germline): Uncertain significance (1 of 4 stars; one submission).

Conditions:
Hereditary cancer-predisposing syndrome. Also called: Hereditary neoplastic syndrome; Neoplastic Syndromes, Hereditary; Tumor predisposition; Hereditary Cancer Syndrome. Identifiers: Orphanet 140162, MedGen C0027672, MeSH D009386, MONDO:0015356.

Submission:

Ambry Genetics
Classification: Uncertain significance for Hereditary cancer-predisposing syndrome. Last evaluated: 2024-12-13. Review status: criteria provided, single submitter. Criteria: Ambry Variant Classification Scheme 2023. Collection method: clinical testing. Allele origin: germline.
Comment: The p.S116F variant (also known as c.347C>T), located in coding exon 3 of the EGFR gene, results from a C to T substitution at nucleotide position 347. The serine at codon 116 is replaced by phenylalanine, an amino acid with highly dissimilar properties. This amino acid position is poorly conserved in available vertebrate species. In addition, this alteration is predicted to be tolerated by in silico analysis. Based on the available evidence, the clinical significance of this variant remains unclear.